The following is an entry in ClinVar:

NM_004859.4(CLTC):c.4960C>A (p.Pro1654Thr)

Gene: CLTC (clathrin heavy chain; plus strand). Cytogenetic location: 17q23.1.
Variant type: single nucleotide variant.
Coding change: c.4960C>A on transcript NM_004859.4 (MANE Select); coding-DNA position 4960, C replaced by A.
Protein change: p.Pro1654Thr; replaces proline 1654 with threonine.
Molecular consequence: missense variant.
Genome position (GRCh38, 1-based): chr17:59,693,784, C>A. VCF-style: chr17-59693784-C-A. GRCh37 (hg19) VCF-style: chr17-57771145-C-A.
Other names: c.4972C>A, p.Pro1658Thr (NM_001288653.2); short protein forms P1654T, P1658T.
Identifiers: ClinVar variation 4737419 (VCV004737419.1).
Genomic context (GRCh38, chr17:59,693,784, plus strand): 5'-GTAGGTCAGCCCCAGTTGATGCTGACAGCAGGACCCAGTGTTGCCGTCCCTCCCCAGGCA[C>A]CTTTTGGTTATGGTTATACCGCACCACCGTATGGACAGCCACAGCCTGGCTTTGGGTACA-3'
Protein context (NP_004850.1, residues 1644-1664): GPSVAVPPQA[Pro1654Thr]FGYGYTAPPY

ClinVar aggregate classification (germline): Uncertain significance (1 of 4 stars; one submission).

gnomAD v4.1: 2 of 1,613,896 alleles (0.00012%); highest among the groups gnomAD compares: Non-Finnish European, 0.00017%; no homozygotes.

Submission:

Labcorp Genetics (formerly Invitae), Labcorp
Classification: Uncertain significance. Last evaluated: 2025-11-07. Review status: criteria provided, single submitter. Criteria: Invitae Variant Classification Sherloc (09022015). Collection method: clinical testing. Allele origin: germline.
Comment: This sequence change replaces proline, which is neutral and non-polar, with threonine, which is neutral and polar, at codon 1658 of the CLTC protein (p.Pro1658Thr). This variant is not present in population databases (gnomAD no frequency). This variant has not been reported in the literature in individuals affected with CLTC-related conditions. Experimental studies and prediction algorithms are not available or were not evaluated, and the functional significance of this variant is currently unknown. In summary, the available evidence is currently insufficient to determine the role of this variant in disease. Therefore, it has been classified as a Variant of Uncertain Significance.